The following is an entry in ClinVar:

NM_017849.4(TMEM127):c.331T>C (p.Phe111Leu)

Gene: TMEM127 (transmembrane protein 127; minus strand). Cytogenetic location: 2q11.2.
Variant type: single nucleotide variant.
Coding change: c.331T>C on transcript NM_017849.4 (MANE Select); coding-DNA position 331, T replaced by C.
Protein change: p.Phe111Leu; replaces phenylalanine 111 with leucine.
Molecular consequence: missense variant.
Genome position (GRCh38, 1-based): chr2:96,254,911, A>G on the plus strand (T>C on the coding strand, the complement: TMEM127 is on the minus strand). VCF-style: chr2-96254911-A-G. GRCh37 (hg19) VCF-style: chr2-96920649-A-G.
Other names: c.331T>C, p.Phe111Leu (NM_001193304.3); short protein forms F111L.
Identifiers: ClinVar variation 570139 (VCV000570139.9), dbSNP rs1558752478, ClinGen allele CA347653431.

ClinVar aggregate classification (germline): Uncertain significance. Review status: criteria provided, multiple submitters, no conflicts (2 of 4 stars). 2 submissions from 2 submitters: Uncertain significance (2). Last evaluated 2025-01-29.

Conditions:
Hereditary cancer-predisposing syndrome. Also called: Neoplastic Syndromes, Hereditary; Hereditary Cancer Syndrome; Tumor predisposition; Hereditary neoplastic syndrome. Identifiers: Orphanet 140162, MedGen C0027672, MeSH D009386, MONDO:0015356.
Hereditary pheochromocytoma and paraganglioma. Also called: Hereditary Paraganglioma-Pheochromocytoma Syndromes; Hereditary paragangliomas and pheochromocytomas; Hereditary pheochromocytoma-paraganglioma. Identifiers: Orphanet 29072, MedGen C4274332, MONDO:0017366.

gnomAD v4.1: 1 of 1,614,190 alleles (0.000062%); highest among the groups gnomAD compares: Non-Finnish European, 0.000085%; no homozygotes.

Submissions (2):

Labcorp Genetics (formerly Invitae), Labcorp
Classification: Uncertain significance for Hereditary pheochromocytoma and paraganglioma. Last evaluated: 2025-01-29. Review status: criteria provided, single submitter. Criteria: Invitae Variant Classification Sherloc (09022015). Collection method: clinical testing. Allele origin: germline.
Comment: This sequence change replaces phenylalanine, which is neutral and non-polar, with leucine, which is neutral and non-polar, at codon 111 of the TMEM127 protein (p.Phe111Leu). This variant is not present in population databases (gnomAD no frequency). This variant has not been reported in the literature in individuals affected with TMEM127-related conditions. ClinVar contains an entry for this variant (Variation ID: 570139). An algorithm developed to predict the effect of missense changes on protein structure and function (PolyPhen-2) suggests that this variant is likely to be disruptive. In summary, the available evidence is currently insufficient to determine the role of this variant in disease. Therefore, it has been classified as a Variant of Uncertain Significance.

Ambry Genetics
Classification: Uncertain significance for Hereditary cancer-predisposing syndrome. Last evaluated: 2024-12-08. Review status: criteria provided, single submitter. Criteria: Ambry Variant Classification Scheme 2023. Collection method: clinical testing. Allele origin: germline.
Comment: The p.F111L variant (also known as c.331T>C), located in coding exon 2 of the TMEM127 gene, results from a T to C substitution at nucleotide position 331. The phenylalanine at codon 111 is replaced by leucine, an amino acid with highly similar properties. This amino acid position is conserved. In addition, this alteration is predicted to be deleterious by in silico analysis. Based on the available evidence, the clinical significance of this variant remains unclear.